The following is an entry in ClinVar:

ClinVar aggregate classification (germline): Uncertain significance (1 of 4 stars; one submission).

Submission:

GeneDx
Classification: Uncertain significance. Last evaluated: 2024-10-17. Review status: criteria provided, single submitter. Criteria: GeneDx Variant Classification Process June 2021. Collection method: clinical testing. Allele origin: germline. Affected: yes.
Comment: Not observed at significant frequency in large population cohorts (gnomAD); In-frame duplication of 3 amino acids in a non-repeat region; Has not been previously published as pathogenic or benign to our knowledge

NM_000540.3(RYR1):c.12819_12827dup (p.Glu4276_Glu4277insGlyAlaGlu)

Gene: RYR1 (ryanodine receptor 1; plus strand). Cytogenetic location: 19q13.2.
Variant type: Duplication.
Coding change: c.12819_12827dup on transcript NM_000540.3 (MANE Select); coding-DNA positions 12819 to 12827, 9 bases duplicated (AGGCGCGGA; older notation c.12819_12827dupAGGCGCGGA).
Protein change: p.Glu4276_Glu4277insGlyAlaGlu.
Molecular consequence: inframe insertion.
Genome position (GRCh38, 1-based): chr19:38,565,153-38,565,161, AGGCGCGGA duplicated; duplicating any 9 consecutive bases within chr19:38,565,145-38,565,161 gives the same sequence; the c. name uses the placement nearest the transcript's 3' end. VCF-style (leftmost placement, unchanged base first): chr19-38565144-G-GGGCGCGGAA. GRCh37 (hg19) VCF-style: chr19-39055784-G-GGGCGCGGAA.
Other names: c.12804_12812dup, p.Glu4271_Glu4272insGlyAlaGlu (NM_001042723.2).
Identifiers: ClinVar variation 3781276 (VCV003781276.1).